The following is an entry in ClinVar:

NM_002524.5(NRAS):c.65A>G (p.Gln22Arg)

Gene: NRAS (NRAS proto-oncogene, GTPase; minus strand). Cytogenetic location: 1p13.2.
Variant type: single nucleotide variant.
Coding change: c.65A>G on transcript NM_002524.5 (MANE Select); coding-DNA position 65, A replaced by G.
Protein change: p.Gln22Arg; replaces glutamine 22 with arginine.
Molecular consequence: missense variant.
Genome position (GRCh38, 1-based): chr1:114,716,096, T>C on the plus strand (A>G on the coding strand, the complement: NRAS is on the minus strand). VCF-style: chr1-114716096-T-C. GRCh37 (hg19) VCF-style: chr1-115258717-T-C.
Other names: c.65A>G (NM_002524.3); short protein forms Q22R.
Identifiers: ClinVar variation 658879 (VCV000658879.9), dbSNP rs1570877514, ClinGen allele CA341742477.

ClinVar aggregate classification (germline): Uncertain significance. Review status: criteria provided, multiple submitters, no conflicts (2 of 4 stars). 2 submissions from 2 submitters: Uncertain significance (2). Last evaluated 2024-04-08.

Conditions:
RASopathy. Also called: rasopathies; Noonan spectrum disorder. Identifiers: Orphanet 536391, MedGen C5555857, MONDO:0021060.

Allele frequency attached by ClinVar (database versions not stated): gnomAD exomes below 0.00001.
gnomAD v4.1: 1 of 1,614,120 alleles (0.000062%); highest among the groups gnomAD compares: Non-Finnish European, 0.000085%; no homozygotes.

Submissions (2):

GeneDx
Classification: Uncertain significance. Last evaluated: 2024-04-08. Review status: criteria provided, single submitter. Criteria: GeneDx Variant Classification Process June 2021. Collection method: clinical testing. Allele origin: germline. Affected: yes.
Comment: Not observed at significant frequency in large population cohorts (gnomAD); Missense variants in this gene are a common cause of disease and they are underrepresented in the general population; In silico analysis supports that this missense variant has a deleterious effect on protein structure/function; Has not been previously published as pathogenic or benign to our knowledge

Labcorp Genetics (formerly Invitae), Labcorp
Classification: Uncertain significance for RASopathy. Last evaluated: 2018-11-04. Review status: criteria provided, single submitter. Criteria: Invitae Variant Classification Sherloc (09022015). Collection method: clinical testing. Allele origin: germline.
Comment: In summary, the available evidence is currently insufficient to determine the role of this variant in disease. Therefore, it has been classified as a Variant of Uncertain Significance. Algorithms developed to predict the effect of missense changes on protein structure and function are either unavailable or do not agree on the potential impact of this missense change (SIFT: "Deleterious"; PolyPhen-2: "Benign"; Align-GVGD: "Class C35"). This variant is not present in population databases (ExAC no frequency). This sequence change replaces glutamine with arginine at codon 22 of the NRAS protein (p.Gln22Arg). The glutamine residue is highly conserved and there is a small physicochemical difference between glutamine and arginine.